The following is an entry in ClinVar:

NM_024675.4(PALB2):c.211+7C>A

Gene: PALB2 (partner and localizer of BRCA2; minus strand). Cytogenetic location: 16p12.2.
Variant type: single nucleotide variant.
Coding change: c.211+7C>A on transcript NM_024675.4 (MANE Select); 7 bases into the intron after coding-DNA position 211, C replaced by A.
Molecular consequence: intron variant.
Genome position (GRCh38, 1-based): chr16:23,637,843, G>T on the plus strand (C>A on the coding strand, the complement: PALB2 is on the minus strand). VCF-style: chr16-23637843-G-T. GRCh37 (hg19) VCF-style: chr16-23649164-G-T.
Identifiers: ClinVar variation 1082089 (VCV001082089.11), dbSNP rs2142455258, ClinGen allele CA2499223455.

ClinVar aggregate classification (germline): Likely benign. Review status: criteria provided, multiple submitters, no conflicts (2 of 4 stars). 2 submissions from 2 submitters: Likely benign (2). Last evaluated 2025-10-14.

Conditions:
Familial cancer of breast. Also called: hereditary breast carcinoma; BREAST CANCER, FAMILIAL; Hereditary breast cancer. Identifiers: Orphanet 227535, MedGen C0346153, MONDO:0016419, OMIM 114480. Disease mechanism: loss of function.

Allele frequency attached by ClinVar (database versions not stated): gnomAD exomes below 0.00001.
gnomAD v4.1: 1 of 1,601,182 alleles (0.000062%); highest among the groups gnomAD compares: Non-Finnish European, 0.000086%; no homozygotes.

Submissions (2):

Labcorp Genetics (formerly Invitae), Labcorp
Classification: Likely benign for Familial cancer of breast. Last evaluated: 2025-10-14. Review status: criteria provided, single submitter. Criteria: Invitae Variant Classification Sherloc (09022015). Collection method: clinical testing. Allele origin: germline.

Myriad Genetics, Inc.
Classification: Likely benign for Familial cancer of breast. Last evaluated: 2025-01-09. Review status: criteria provided, single submitter. Criteria: Myriad Autosomal Dominant, Autosomal Recessive and X-Linked Classification Criteria (2023). Collection method: clinical testing. Allele origin: unknown.
Comment: This variant is considered likely benign. This variant is intronic and is not expected to impact mRNA splicing.